The following is an entry in ClinVar:

NM_000536.4(RAG2):c.1328T>C (p.Met443Thr)

Gene: RAG2 (recombination activating 2; minus strand). Cytogenetic location: 11p12.
Variant type: single nucleotide variant.
Coding change: c.1328T>C on transcript NM_000536.4 (MANE Select); coding-DNA position 1328, T replaced by C.
Protein change: p.Met443Thr; replaces methionine 443 with threonine.
Molecular consequence: missense variant.
Genome position (GRCh38, 1-based): chr11:36,592,841, A>G on the plus strand (T>C on the coding strand, the complement: RAG2 is on the minus strand). VCF-style: chr11-36592841-A-G. GRCh37 (hg19) VCF-style: chr11-36614391-A-G.
Other names: c.1328T>C, p.Met443Thr (NM_001243785.2, NM_001243786.2); short protein forms M443T.
Identifiers: ClinVar variation 1067851 (VCV001067851.9), dbSNP rs1406618487, ClinGen allele CA380140611.

ClinVar aggregate classification (germline): Likely pathogenic (1 of 4 stars; one submission).

Conditions:
Combined immunodeficiency with skin granulomas. Identifiers: Orphanet 157949, MedGen C2673536, MONDO:0009306, OMIM 233650.
Severe combined immunodeficiency, autosomal recessive, T cell-negative, B cell-negative, NK cell-positive. Also called: SCID, T CELL-NEGATIVE, B CELL-NEGATIVE, NK CELL-POSITIVE; SCID, AR, T-cell negative, B-cell negative, NK cell-positive; Severe combined immunodeficiency due to complete RAG1/2 deficiency. Identifiers: Orphanet 331206, MedGen C1832322, MONDO:0011086, OMIM 601457.

Allele frequency attached by ClinVar (database versions not stated): gnomAD exomes below 0.00001.

Submission:

Labcorp Genetics (formerly Invitae), Labcorp
Classification: Likely pathogenic for Combined immunodeficiency with skin granulomas; Severe combined immunodeficiency, autosomal recessive, T cell-negative, B cell-negative, NK cell-positive. Last evaluated: 2023-03-13. Review status: criteria provided, single submitter. Criteria: Invitae Variant Classification Sherloc (09022015). Collection method: clinical testing. Allele origin: germline.
Comment: In summary, the currently available evidence indicates that the variant is pathogenic, but additional data are needed to prove that conclusively. Therefore, this variant has been classified as Likely Pathogenic. This variant disrupts the p.Met443 amino acid residue in RAG2. Other variant(s) that disrupt this residue have been determined to be pathogenic (PMID: 21131235, 29772310). This suggests that this residue is clinically significant, and that variants that disrupt this residue are likely to be disease-causing. Advanced modeling of protein sequence and biophysical properties (such as structural, functional, and spatial information, amino acid conservation, physicochemical variation, residue mobility, and thermodynamic stability) performed at Invitae indicates that this missense variant is expected to disrupt RAG2 protein function. ClinVar contains an entry for this variant (Variation ID: 1067851). This variant has not been reported in the literature in individuals affected with RAG2-related conditions. This variant is present in population databases (no rsID available, gnomAD 0.0009%). This sequence change replaces methionine, which is neutral and non-polar, with threonine, which is neutral and polar, at codon 443 of the RAG2 protein (p.Met443Thr).

Literature cited by the submitters: PubMed 21131235; PubMed 29772310.